The following is an entry in ClinVar:

ClinVar aggregate classification (germline): Uncertain significance (1 of 4 stars; one submission).

Conditions:
Joubert syndrome. Also called: CEREBELLOPARENCHYMAL DISORDER IV; JOUBERT-BOLTSHAUSER SYNDROME; Familial aplasia of the vermis. Identifiers: Orphanet 475, MedGen C5979921, MONDO:0018772.
Meckel-Gruber syndrome. Also called: DYSENCEPHALIA SPLANCHNOCYSTICA; GRUBER SYNDROME; Dysencephalia splachnocystica. Identifiers: Orphanet 564, MedGen C0265215, MONDO:0018921.

Allele frequency attached by ClinVar (database versions not stated): gnomAD exomes below 0.00001; gnomAD 0.00001; TOPMed 0.00001.
gnomAD v4.1: 7 of 1,612,964 alleles (0.00043%); highest among the groups gnomAD compares: African/African-American, 0.0013%; no homozygotes.

Submission:

Labcorp Genetics (formerly Invitae), Labcorp
Classification: Uncertain significance for Joubert syndrome; Meckel-Gruber syndrome. Last evaluated: 2024-07-31. Review status: criteria provided, single submitter. Criteria: Invitae Variant Classification Sherloc (09022015). Collection method: clinical testing. Allele origin: germline.
Comment: This sequence change replaces alanine, which is neutral and non-polar, with valine, which is neutral and non-polar, at codon 953 of the TMEM67 protein (p.Ala953Val). This variant is present in population databases (no rsID available, gnomAD 0.0009%). This variant has not been reported in the literature in individuals affected with TMEM67-related conditions. ClinVar contains an entry for this variant (Variation ID: 2171564). Advanced modeling of protein sequence and biophysical properties (such as structural, functional, and spatial information, amino acid conservation, physicochemical variation, residue mobility, and thermodynamic stability) performed at Invitae indicates that this missense variant is expected to disrupt TMEM67 protein function with a positive predictive value of 80%. In summary, the available evidence is currently insufficient to determine the role of this variant in disease. Therefore, it has been classified as a Variant of Uncertain Significance.

NM_153704.6(TMEM67):c.2858C>T (p.Ala953Val)

Gene: TMEM67 (transmembrane protein 67; plus strand). Cytogenetic location: 8q22.1.
Variant type: single nucleotide variant.
Coding change: c.2858C>T on transcript NM_153704.6 (MANE Select); coding-DNA position 2858, C replaced by T.
Protein change: p.Ala953Val; replaces alanine 953 with valine.
Molecular consequence: missense variant. On other transcripts: non-coding transcript variant (1).
Genome position (GRCh38, 1-based): chr8:93,815,398, C>T. VCF-style: chr8-93815398-C-T. GRCh37 (hg19) VCF-style: chr8-94827626-C-T.
Other names: c.2615C>T, p.Ala872Val (NM_001142301.1); short protein forms A872V, A953V.
Identifiers: ClinVar variation 2171564 (VCV002171564.3), dbSNP rs1353645838, ClinGen allele CA371701235.